The following is an entry in ClinVar:

NM_018946.4(NANS):c.410C>T (p.Thr137Ile)

Genes: NANS (N-acetylneuraminate synthase; plus strand), TRIM14 (tripartite motif containing 14; minus strand). Cytogenetic location: 9q22.33.
Variant type: single nucleotide variant.
Coding change: c.410C>T on transcript NM_018946.4 (MANE Select); coding-DNA position 410, C replaced by T.
Protein change: p.Thr137Ile; replaces threonine 137 with isoleucine.
Molecular consequence: missense variant.
Genome position (GRCh38, 1-based): chr9:98,076,979, C>T. VCF-style: chr9-98076979-C-T. GRCh37 (hg19) VCF-style: chr9-100839261-C-T.
Other names: short protein forms T137I.
Identifiers: ClinVar variation 1715364 (VCV001715364.5), dbSNP rs2490391381, ClinGen allele CA374197674.
Genomic context (GRCh38, chr9:98,076,979, plus strand): 5'-TGGCAGTTGAATTCCTGCATGAACTGAATGTTCCATTTTTCAAAGTTGGATCTGGAGACA[C>T]TAATAATTTTCCTTATCTGGAAAAGACAGCCAAAAAAGGTAAGTGTCTAATTTTTGACTT-3'
Protein context (NP_061819.2, residues 127-147): VPFFKVGSGD[Thr137Ile]NNFPYLEKTA

ClinVar aggregate classification (germline): Uncertain significance (1 of 4 stars; one submission).

gnomAD v4.1: 1 of 1,611,036 alleles (0.000062%); highest among the groups gnomAD compares: Non-Finnish European, 0.000085%; no homozygotes.

Submission:

Labcorp Genetics (formerly Invitae), Labcorp
Classification: Uncertain significance. Last evaluated: 2022-08-08. Review status: criteria provided, single submitter. Criteria: Invitae Variant Classification Sherloc (09022015). Collection method: clinical testing. Allele origin: germline.
Comment: In summary, the available evidence is currently insufficient to determine the role of this variant in disease. Therefore, it has been classified as a Variant of Uncertain Significance. Algorithms developed to predict the effect of missense changes on protein structure and function are either unavailable or do not agree on the potential impact of this missense change (SIFT: "Deleterious"; PolyPhen-2: "Possibly Damaging"; Align-GVGD: "Class C15"). This variant has not been reported in the literature in individuals affected with NANS-related conditions. This variant is not present in population databases (gnomAD no frequency). This sequence change replaces threonine, which is neutral and polar, with isoleucine, which is neutral and non-polar, at codon 137 of the NANS protein (p.Thr137Ile).